The following is an entry in ClinVar:

ClinVar aggregate classification (germline): Uncertain significance (1 of 4 stars; one submission).

Conditions:
Baller-Gerold syndrome (BGS). Also called: CRANIOSYNOSTOSIS WITH RADIAL DEFECTS. Identifiers: Orphanet 1225, MedGen C0265308, MONDO:0009039, OMIM 218600.

Submission:

Labcorp Genetics (formerly Invitae), Labcorp
Classification: Uncertain significance for Baller-Gerold syndrome. Last evaluated: 2024-01-02. Review status: criteria provided, single submitter. Criteria: Invitae Variant Classification Sherloc (09022015). Collection method: clinical testing. Allele origin: germline.
Comment: This sequence change replaces leucine, which is neutral and non-polar, with isoleucine, which is neutral and non-polar, at codon 41 of the RECQL4 protein (p.Leu41Ile). This variant is not present in population databases (gnomAD no frequency). This variant has not been reported in the literature in individuals affected with RECQL4-related conditions. ClinVar contains an entry for this variant (Variation ID: 933241). Experimental studies and prediction algorithms are not available or were not evaluated, and the functional significance of this variant is currently unknown. In summary, the available evidence is currently insufficient to determine the role of this variant in disease. Therefore, it has been classified as a Variant of Uncertain Significance.

NM_004260.4(RECQL4):c.121C>A (p.Leu41Ile)

Genes: RECQL4 (RecQ like helicase 4; minus strand), LOC130001411 (ATAC-STARR-seq lymphoblastoid silent region 19699; plus strand). Cytogenetic location: 8q24.3.
Variant type: single nucleotide variant.
Coding change: c.121C>A on transcript NM_004260.4 (MANE Select); coding-DNA position 121, C replaced by A.
Protein change: p.Leu41Ile; replaces leucine 41 with isoleucine.
Molecular consequence: missense variant.
Genome position (GRCh38, 1-based): chr8:144,517,506, G>T on the plus strand (C>A on the coding strand, the complement: RECQL4 is on the minus strand). VCF-style: chr8-144517506-G-T. GRCh37 (hg19) VCF-style: chr8-145742890-G-T.
Other names: short protein forms L41I.
Identifiers: ClinVar variation 933241 (VCV000933241.5), dbSNP rs776083037, ClinGen allele CA372692803.